The following is an entry in ClinVar:

ClinVar aggregate classification (germline): Uncertain significance (1 of 4 stars; one submission).

Conditions:
Primary ciliary dyskinesia 30. Also called: CILIARY DYSKINESIA, PRIMARY, 30, WITH OR WITHOUT SITUS INVERSUS. Identifiers: Orphanet 244, MedGen C4015016, MONDO:0014465, OMIM 616037.

Allele frequency attached by ClinVar (database versions not stated): gnomAD exomes below 0.00001 and 0.00001.
gnomAD v4.1: 15 of 1,599,240 alleles (0.00094%); highest among the groups gnomAD compares: African/African-American, 0.015%; 1 homozygote.

Submission:

Labcorp Genetics (formerly Invitae), Labcorp
Classification: Uncertain significance for Primary ciliary dyskinesia 30. Last evaluated: 2025-06-12. Review status: criteria provided, single submitter. Criteria: Invitae Variant Classification Sherloc (09022015). Collection method: clinical testing. Allele origin: germline.
Comment: This sequence change replaces arginine, which is basic and polar, with lysine, which is basic and polar, at codon 158 of the CCDC151 protein (p.Arg158Lys). The frequency data for this variant in the population databases is considered unreliable, as metrics indicate poor data quality at this position in the gnomAD database. This variant has not been reported in the literature in individuals affected with CCDC151-related conditions. ClinVar contains an entry for this variant (Variation ID: 1682785). An algorithm developed to predict the effect of missense changes on protein structure and function (PolyPhen-2) suggests that this variant is likely to be tolerated. In summary, the available evidence is currently insufficient to determine the role of this variant in disease. Therefore, it has been classified as a Variant of Uncertain Significance.

NM_145045.5(ODAD3):c.473G>A (p.Arg158Lys)

Gene: ODAD3 (outer dynein arm docking complex subunit 3; minus strand). Cytogenetic location: 19p13.2.
Variant type: single nucleotide variant.
Coding change: c.473G>A on transcript NM_145045.5 (MANE Select); coding-DNA position 473, G replaced by A.
Protein change: p.Arg158Lys; replaces arginine 158 with lysine.
Molecular consequence: missense variant.
Genome position (GRCh38, 1-based): chr19:11,427,012, C>T on the plus strand (G>A on the coding strand, the complement: ODAD3 is on the minus strand). VCF-style: chr19-11427012-C-T. GRCh37 (hg19) VCF-style: chr19-11537832-C-T.
Other names: c.311G>A, p.Arg104Lys (NM_001302453.1); c.395G>A, p.Arg132Lys (NM_001302454.2); short protein forms R104K, R132K, R158K.
Identifiers: ClinVar variation 1682785 (VCV001682785.6), dbSNP rs369769695, ClinGen allele CA305335706.
Genomic context (GRCh38, chr19:11,427,012, plus strand): 5'-AGCCGCCTCTGCCGCAACACCACCTGGTGCCGCAGGGCGTTCTGCTGCTTCACCTTCTCC[C>T]TCAGCCGGTGGTCTAGGTGCTCCAGGGCCTGCCGCAAGGAGGGGAGCGAAAGCAGGAGCC-3'
Protein context (NP_659482.3, residues 148-168): QALEHLDHRL[Arg158Lys]EKVKQQNALR